The following is an entry in ClinVar:

ClinVar aggregate classification (germline): Likely benign (1 of 4 stars; one submission).

Allele frequency attached by ClinVar (database versions not stated): gnomAD 0.00002; ExAC 0.00003; TOPMed 0.00004; gnomAD exomes 0.00006.
gnomAD v4.1: 91 of 1,614,036 alleles (0.0056%); highest among the groups gnomAD compares: Non-Finnish European, 0.0073%; no homozygotes.

Submission:

CeGaT Center for Human Genetics Tuebingen
Classification: Likely benign. Last evaluated: 2024-06-01. Review status: criteria provided, single submitter. Criteria: CeGaT Center For Human Genetics Tuebingen Variant Classification Criteria Version 2. Collection method: clinical testing. Allele origin: germline. Affected: yes. Observed: 1 variant allele.
Comment: LUZP1: BP4, BP7

NM_001395462.2(LUZP1):c.1785G>A (p.Pro595=)

Gene: LUZP1 (leucine zipper protein 1; minus strand). Cytogenetic location: 1p36.12.
Variant type: single nucleotide variant.
Coding change: c.1785G>A on transcript NM_001395462.2 (MANE Select); coding-DNA position 1785, G replaced by A.
Protein change: p.Pro595=; no amino-acid change (proline 595 retained).
Molecular consequence: synonymous variant.
Genome position (GRCh38, 1-based): chr1:23,092,477, C>T on the plus strand (G>A on the coding strand, the complement: LUZP1 is on the minus strand). VCF-style: chr1-23092477-C-T. GRCh37 (hg19) VCF-style: chr1-23418970-C-T.
Other names: c.1785G>A, p.Pro595= (NM_001142546.4, NM_001395461.1, NM_033631.5).
Identifiers: ClinVar variation 3250812 (VCV003250812.18), dbSNP rs752143025.